The following is an entry in ClinVar:

ClinVar aggregate classification (germline): Uncertain significance. Review status: criteria provided, multiple submitters, no conflicts (2 of 4 stars). 4 submissions from 4 submitters: Uncertain significance (3). 1 of the submissions does not count toward it. Last evaluated 2024-11-20.

Conditions:
Inborn genetic diseases. Identifiers: MedGen C0950123, MeSH D030342.
CEP290-related disorder. Also called: CEP290-related condition; CEP290-related disorders. Identifiers: MedGen CN239314.
Leber congenital amaurosis 10 (LCA10). Identifiers: Orphanet 65, MedGen C1857821, MONDO:0012723, OMIM 611755.
Meckel syndrome, type 4 (MKS4). Also called: MECKEL-GRUBER SYNDROME, TYPE 4. Identifiers: Orphanet 564, MedGen C1970161, MONDO:0012626, OMIM 611134.
Senior-Loken syndrome 6 (SLSN6). Identifiers: Orphanet 3156, MedGen C1857779, MONDO:0012433, OMIM 610189.
Joubert syndrome 5 (JBTS5). Identifiers: Orphanet 2318, MedGen C1857780, MONDO:0012432, OMIM 610188.
Bardet-Biedl syndrome 14 (BBS14). Identifiers: Orphanet 110, MedGen C2673874, MONDO:0014442, OMIM 615991.

Allele frequency attached by ClinVar (database versions not stated): gnomAD 0.00001; TOPMed 0.00001; ExAC 0.00002; gnomAD exomes 0.00002 and 0.00003.
gnomAD v4.1: 26 of 1,595,466 alleles (0.0016%); highest among the groups gnomAD compares: Non-Finnish European, 0.0022%; no homozygotes.

Submissions (4):

Ambry Genetics
Classification: Uncertain significance for Inborn genetic diseases. Last evaluated: 2024-11-20. Review status: criteria provided, single submitter. Criteria: Ambry Variant Classification Scheme 2023. Collection method: clinical testing. Allele origin: germline.

Fulgent Genetics
Classification: Uncertain significance for Joubert syndrome 5; Senior-Loken syndrome 6; Meckel syndrome, type 4; Leber congenital amaurosis 10; Bardet-Biedl syndrome 14. Last evaluated: 2022-02-17. Review status: criteria provided, single submitter. Criteria: ACMG Guidelines, 2015. Collection method: clinical testing. Allele origin: unknown.

GeneDx
Classification: Uncertain significance. Last evaluated: 2021-12-29. Review status: criteria provided, single submitter. Criteria: GeneDx Variant Classification Process June 2021. Collection method: clinical testing. Allele origin: germline. Affected: yes.
Comment: Not observed at significant frequency in large population cohorts (Lek et al., 2016); In silico analysis supports that this missense variant has a deleterious effect on protein structure/function; Has not been previously published as pathogenic or benign to our knowledge

PreventionGenetics, part of Exact Sciences
Classification: Uncertain significance for CEP290-related condition. Last evaluated: 2024-08-16. Review status: no assertion criteria provided. Collection method: clinical testing. Allele origin: germline. Not counted in ClinVar's aggregate classification.
Comment: The CEP290 c.4736A>T variant is predicted to result in the amino acid substitution p.Glu1579Val. To our knowledge, this variant has not been reported in the literature. This variant is reported in 0.0060% of alleles in individuals of European (Non-Finnish) descent in gnomAD. At this time, the clinical significance of this variant is uncertain due to the absence of conclusive functional and genetic evidence.

NM_025114.4(CEP290):c.4736A>T (p.Glu1579Val)

Gene: CEP290 (centrosomal protein 290; minus strand). Cytogenetic location: 12q21.32.
Variant type: single nucleotide variant.
Coding change: c.4736A>T on transcript NM_025114.4 (MANE Select); coding-DNA position 4736, A replaced by T.
Protein change: p.Glu1579Val; replaces glutamic acid 1579 with valine.
Molecular consequence: missense variant.
Genome position (GRCh38, 1-based): chr12:88,083,923, T>A on the plus strand (A>T on the coding strand, the complement: CEP290 is on the minus strand). VCF-style: chr12-88083923-T-A. GRCh37 (hg19) VCF-style: chr12-88477700-T-A.
Other names: short protein forms E1579V.
Identifiers: ClinVar variation 1331227 (VCV001331227.5), dbSNP rs760059883, ClinGen allele CA6711870.
Genomic context (GRCh38, chr12:88,083,923, plus strand): 5'-AATTTATTTAGTGAACTATCAGCCTGTAGTTCTAATCTGTGATGAAGAATATGAAGGTCT[T>A]CCTCATGTTTCTTCACAATTTCTCTTTGCTCCTGTTTTACAGAAAATCGAAACTATATCT-3'
Protein context (NP_079390.3, residues 1569-1589): EQREIVKKHE[Glu1579Val]DLHILHHRLE